The following is an entry in ClinVar:

NM_032043.3(BRIP1):c.886G>C (p.Glu296Gln)

Gene: BRIP1 (BRCA1 interacting DNA helicase 1; minus strand). Cytogenetic location: 17q23.2.
Variant type: single nucleotide variant.
Coding change: c.886G>C on transcript NM_032043.3 (MANE Select); coding-DNA position 886, G replaced by C.
Protein change: p.Glu296Gln; replaces glutamic acid 296 with glutamine.
Molecular consequence: missense variant.
Genome position (GRCh38, 1-based): chr17:61,808,499, C>G on the plus strand (G>C on the coding strand, the complement: BRIP1 is on the minus strand). VCF-style: chr17-61808499-C-G. GRCh37 (hg19) VCF-style: chr17-59885860-C-G.
Other names: short protein forms E296Q.
Identifiers: ClinVar variation 233003 (VCV000233003.25), dbSNP rs876660125, ClinGen allele CA10580856.

ClinVar aggregate classification (germline): Uncertain significance. Review status: criteria provided, multiple submitters, no conflicts (2 of 4 stars). 9 submissions from 9 submitters: Uncertain significance (9). Last evaluated 2025-02-02.

Conditions:
BRIP1-related disorder. Also called: BRIP1-related condition; BRIP1-related disorders. Identifiers: MedGen CN239206.
Hereditary cancer-predisposing syndrome. Also called: Hereditary Cancer Syndrome; Neoplastic Syndromes, Hereditary; Tumor predisposition; Hereditary neoplastic syndrome. Identifiers: Orphanet 140162, MedGen C0027672, MeSH D009386, MONDO:0015356.
Fanconi anemia complementation group J. Also called: BRIP1-Related Fanconi Anemia. Identifiers: Orphanet 84, MedGen C1836860, MONDO:0012187, OMIM 609054.
Familial cancer of breast. Also called: Hereditary breast cancer; hereditary breast carcinoma; BREAST CANCER, FAMILIAL. Identifiers: Orphanet 227535, MedGen C0346153, MONDO:0016419, OMIM 114480. Disease mechanism: loss of function.

Allele frequency attached by ClinVar (database versions not stated): gnomAD 0.00001 and 0.00003; TOPMed 0.00001.
gnomAD v4.1: 1 of 1,613,664 alleles (0.000062%); highest among the groups gnomAD compares: African/African-American, 0.0013%; no homozygotes.

Submissions (9):

Labcorp Genetics (formerly Invitae), Labcorp
Classification: Uncertain significance for Familial cancer of breast; Fanconi anemia complementation group J. Last evaluated: 2025-02-02. Review status: criteria provided, single submitter. Criteria: Invitae Variant Classification Sherloc (09022015). Collection method: clinical testing. Allele origin: germline.
Comment: This sequence change replaces glutamic acid, which is acidic and polar, with glutamine, which is neutral and polar, at codon 296 of the BRIP1 protein (p.Glu296Gln). This variant is present in population databases (no rsID available, gnomAD 0.01%). This variant has not been reported in the literature in individuals affected with BRIP1-related conditions. ClinVar contains an entry for this variant (Variation ID: 233003). Invitae Evidence Modeling of protein sequence and biophysical properties (such as structural, functional, and spatial information, amino acid conservation, physicochemical variation, residue mobility, and thermodynamic stability) has been performed for this missense variant. However, the output from this modeling did not meet the statistical confidence thresholds required to predict the impact of this variant on BRIP1 protein function. In summary, the available evidence is currently insufficient to determine the role of this variant in disease. Therefore, it has been classified as a Variant of Uncertain Significance.

Women's Health and Genetics/Laboratory Corporation of America, LabCorp
Classification: Uncertain significance. Last evaluated: 2024-11-11. Review status: criteria provided, single submitter. Criteria: LabCorp Variant Classification Summary - May 2015. Collection method: clinical testing. Allele origin: germline.

Ambry Genetics
Classification: Uncertain significance for Hereditary cancer-predisposing syndrome. Last evaluated: 2024-05-27. Review status: criteria provided, single submitter. Criteria: Ambry Variant Classification Scheme 2023. Collection method: clinical testing. Allele origin: germline.
Comment: The p.E296Q variant (also known as c.886G>C), located in coding exon 6 of the BRIP1 gene, results from a G to C substitution at nucleotide position 886. The glutamic acid at codon 296 is replaced by glutamine, an amino acid with highly similar properties. This amino acid position is highly conserved in available vertebrate species. In addition, the in silico prediction for this alteration is inconclusive. Since supporting evidence is limited at this time, the clinical significance of this alteration remains unclear.

Institute for Biomarker Research, Medical Diagnostic Laboratories, L.L.C.
Classification: Uncertain significance for Hereditary cancer-predisposing syndrome. Last evaluated: 2024-03-12. Review status: criteria provided, single submitter. Criteria: ACMG Guidelines, 2015. Collection method: clinical testing. Allele origin: germline.

Color Diagnostics, LLC DBA Color Health
Classification: Uncertain significance for Hereditary cancer-predisposing syndrome. Last evaluated: 2024-03-06. Review status: criteria provided, single submitter. Criteria: ACMG Guidelines, 2015. Collection method: clinical testing. Allele origin: germline.
Comment: This missense variant replaces glutamic acid with glutamine at codon 296 of the BRIP1 protein. Computational prediction is inconclusive regarding the impact of this variant on protein structure and function (internally defined REVEL score threshold 0.5 < inconclusive < 0.7, PMID: 27666373). To our knowledge, functional studies have not been reported for this variant. This variant has not been reported in individuals affected with hereditary cancer in the literature. This variant has been identified in 1/31400 chromosomes in the general population by the Genome Aggregation Database (gnomAD). The available evidence is insufficient to determine the role of this variant in disease conclusively. Therefore, this variant is classified as a Variant of Uncertain Significance.

Baylor Genetics
Classification: Uncertain significance for Familial cancer of breast. Last evaluated: 2023-06-28. Review status: criteria provided, single submitter. Criteria: ACMG Guidelines, 2015. Collection method: clinical testing. Allele origin: unknown.

PreventionGenetics, part of Exact Sciences
Classification: Uncertain significance for BRIP1-related condition. Last evaluated: 2022-09-01. Review status: criteria provided, single submitter. Criteria: ACMG Guidelines, 2015. Collection method: clinical testing. Allele origin: germline.
Comment: The BRIP1 c.886G>C variant is predicted to result in the amino acid substitution p.Glu296Gln. To our knowledge, this variant has not been reported in the literature. This variant is reported in 0.011% of alleles in individuals of African descent in gnomAD and has been interpreted as uncertain in ClinVar. At this time, the clinical significance of this variant is uncertain due to the absence of conclusive functional and genetic evidence.

GeneDx
Classification: Uncertain significance. Last evaluated: 2022-08-18. Review status: criteria provided, single submitter. Criteria: GeneDx Variant Classification Process June 2021. Collection method: clinical testing. Allele origin: germline. Affected: yes.
Comment: In silico analysis supports that this missense variant has a deleterious effect on protein structure/function; Has not been previously published as pathogenic or benign to our knowledge

Sema4
Classification: Uncertain significance for Hereditary cancer-predisposing syndrome. Last evaluated: 2021-09-12. Review status: criteria provided, single submitter. Criteria: Sema4 Curation Guidelines. Collection method: curation. Allele origin: germline.
Comment: The BRIP1 c.886G>C (p.E296Q) variant has not been reported in the literature to our knowledge. This variant was observed in 1/8714 chromosomes in the African/African American population according to the Genome Aggregation Database (PMID: 32461654). This variant has been reported in ClinVar (Variation ID 233003). This amino acid position is highly conserved in available vertebrate species. Functional studies have not been performed, and in silico predictions of the variant's effect on protein function are inconclusive. The overall evidence is insufficient to meet ACMG/AMP criteria for classifying it as benign or pathogenic. In summary, the clinical significance of this variant is currently uncertain.